The following is an entry in ClinVar:

ClinVar aggregate classification (germline): Uncertain significance (1 of 4 stars; one submission).

Conditions:
Nephronophthisis. Also called: Juvenile Nephronophthisis. Identifiers: Orphanet 655, MedGen C0687120, MONDO:0019005, HP:0000090.

Allele frequency attached by ClinVar (database versions not stated): TOPMed below 0.00001.
gnomAD v4.1: 1 of 1,614,098 alleles (0.000062%); highest among the groups gnomAD compares: Admixed American, 0.0017%; no homozygotes.

Submission:

Labcorp Genetics (formerly Invitae), Labcorp
Classification: Uncertain significance for Nephronophthisis. Last evaluated: 2025-03-31. Review status: criteria provided, single submitter. Criteria: Invitae Variant Classification Sherloc (09022015). Collection method: clinical testing. Allele origin: germline.
Comment: This sequence change replaces glycine, which is neutral and non-polar, with valine, which is neutral and non-polar, at codon 211 of the NPHP3 protein (p.Gly211Val). This variant is present in population databases (no rsID available, gnomAD 0.003%). This variant has not been reported in the literature in individuals affected with NPHP3-related conditions. ClinVar contains an entry for this variant (Variation ID: 1926162). Invitae Evidence Modeling of protein sequence and biophysical properties (such as structural, functional, and spatial information, amino acid conservation, physicochemical variation, residue mobility, and thermodynamic stability) indicates that this missense variant is not expected to disrupt NPHP3 protein function with a negative predictive value of 80%. In summary, the available evidence is currently insufficient to determine the role of this variant in disease. Therefore, it has been classified as a Variant of Uncertain Significance.

NM_153240.5(NPHP3):c.632G>T (p.Gly211Val)

Genes: NPHP3 (nephrocystin 3; minus strand), NPHP3-ACAD11 (NPHP3-ACAD11 readthrough (NMD candidate); minus strand). Cytogenetic location: 3q22.1.
Variant type: single nucleotide variant.
Coding change: c.632G>T on transcript NM_153240.5 (MANE Select); coding-DNA position 632, G replaced by T.
Protein change: p.Gly211Val; replaces glycine 211 with valine.
Molecular consequence: missense variant. On other transcripts: non-coding transcript variant (1).
Genome position (GRCh38, 1-based): chr3:132,719,032, C>A on the plus strand (G>T on the coding strand, the complement: NPHP3 is on the minus strand). VCF-style: chr3-132719032-C-A. GRCh37 (hg19) VCF-style: chr3-132437876-C-A.
Other names: short protein forms G211V.
Identifiers: ClinVar variation 1926162 (VCV001926162.3), dbSNP rs1448336864, ClinGen allele CA354586952.